The following is an entry in ClinVar:

NM_032043.3(BRIP1):c.454G>C (p.Asp152His)

Gene: BRIP1 (BRCA1 interacting DNA helicase 1; minus strand). Cytogenetic location: 17q23.2.
Variant type: single nucleotide variant.
Coding change: c.454G>C on transcript NM_032043.3 (MANE Select); coding-DNA position 454, G replaced by C.
Protein change: p.Asp152His; replaces aspartic acid 152 with histidine.
Molecular consequence: missense variant.
Genome position (GRCh38, 1-based): chr17:61,849,182, C>G on the plus strand (G>C on the coding strand, the complement: BRIP1 is on the minus strand). VCF-style: chr17-61849182-C-G. GRCh37 (hg19) VCF-style: chr17-59926543-C-G.
Other names: short protein forms D152H.
Identifiers: ClinVar variation 2624595 (VCV002624595.5), dbSNP rs1207857968, ClinGen allele CA400484459.
Genomic context (GRCh38, chr17:61,849,182, plus strand): 5'-TGTTTACCTGCTGTGTAGTTTCTAAGGGTCGAATTCTTTTCTTCTCTACTTGAAAATCAT[C>G]ATTTTCATCTCTGTATATGGATGCCTGTTTCTTAGCAGATAACTTTGCAGCCAGAGTGGT-3'
Protein context (NP_114432.2, residues 142-162): KQASIYRDEN[Asp152His]DFQVEKKRIR

ClinVar aggregate classification (germline): Uncertain significance. Review status: criteria provided, multiple submitters, no conflicts (2 of 4 stars). 2 submissions from 2 submitters: Uncertain significance (2). Last evaluated 2023-07-26.

Conditions:
Hereditary cancer-predisposing syndrome. Also called: Tumor predisposition; Neoplastic Syndromes, Hereditary; Hereditary Cancer Syndrome; Hereditary neoplastic syndrome. Identifiers: Orphanet 140162, MedGen C0027672, MeSH D009386, MONDO:0015356.
Fanconi anemia complementation group J. Also called: BRIP1-Related Fanconi Anemia. Identifiers: Orphanet 84, MedGen C1836860, MONDO:0012187, OMIM 609054.
Familial cancer of breast. Also called: Hereditary breast cancer; hereditary breast carcinoma; BREAST CANCER, FAMILIAL. Identifiers: Orphanet 227535, MedGen C0346153, MONDO:0016419, OMIM 114480. Disease mechanism: loss of function.

Allele frequency attached by ClinVar (database versions not stated): TOPMed below 0.00001; gnomAD 0.00001.

Submissions (2):

Ambry Genetics
Classification: Uncertain significance for Hereditary cancer-predisposing syndrome. Last evaluated: 2023-07-26. Review status: criteria provided, single submitter. Criteria: Ambry Variant Classification Scheme 2023. Collection method: clinical testing. Allele origin: germline.
Comment: The p.D152H variant (also known as c.454G>C), located in coding exon 4 of the BRIP1 gene, results from a G to C substitution at nucleotide position 454. The aspartic acid at codon 152 is replaced by histidine, an amino acid with similar properties. This amino acid position is conserved. In addition, this alteration is predicted to be deleterious by in silico analysis. Since supporting evidence is limited at this time, the clinical significance of this alteration remains unclear.

Labcorp Genetics (formerly Invitae), Labcorp
Classification: Uncertain significance for Familial cancer of breast; Fanconi anemia complementation group J. Last evaluated: 2022-10-29. Review status: criteria provided, single submitter. Criteria: Invitae Variant Classification Sherloc (09022015). Collection method: clinical testing. Allele origin: germline.
Comment: This variant has not been reported in the literature in individuals affected with BRIP1-related conditions. Advanced modeling of protein sequence and biophysical properties (such as structural, functional, and spatial information, amino acid conservation, physicochemical variation, residue mobility, and thermodynamic stability) has been performed at Invitae for this missense variant, however the output from this modeling did not meet the statistical confidence thresholds required to predict the impact of this variant on BRIP1 protein function. In summary, the available evidence is currently insufficient to determine the role of this variant in disease. Therefore, it has been classified as a Variant of Uncertain Significance. This sequence change replaces aspartic acid, which is acidic and polar, with histidine, which is basic and polar, at codon 152 of the BRIP1 protein (p.Asp152His). This variant is not present in population databases (gnomAD no frequency).